The following is an entry in ClinVar:

NM_001366207.1(DLG1):c.2575+9C>T

Gene: DLG1 (discs large MAGUK scaffold protein 1; minus strand). Cytogenetic location: 3q29.
Variant type: single nucleotide variant.
Coding change: c.2575+9C>T on transcript NM_001366207.1 (MANE Select); 9 bases into the intron after coding-DNA position 2575, C replaced by T.
Molecular consequence: intron variant.
Genome position (GRCh38, 1-based): chr3:197,051,568, G>A on the plus strand (C>T on the coding strand, the complement: DLG1 is on the minus strand). VCF-style: chr3-197051568-G-A. GRCh37 (hg19) VCF-style: chr3-196778439-G-A.
Other names: c.2608+9C>T (NM_001098424.1, NM_001290983.2, NM_001366218.1); c.2491+9C>T (NM_001366203.1); c.2509+9C>T (NM_001366204.1, NM_001366208.1, NM_001366209.1 and 1 more transcripts); c.2572+9C>T (NM_001366205.1, NM_001204386.1, NM_001366213.1); c.2521+9C>T (NM_001366206.1); c.2575+9C>T (NM_001363865.1, NM_001366210.1, NM_001366215.1); c.2674+9C>T (NM_004087.2); c.2455+9C>T (NM_001366216.1, NM_001366219.1); and 7 more.
Identifiers: ClinVar variation 740607 (VCV000740607.4), dbSNP rs534071489, ClinGen allele CA2785094.

ClinVar aggregate classification (germline): Likely benign. Review status: criteria provided, multiple submitters, no conflicts (2 of 4 stars). 2 submissions from 2 submitters: Likely benign (2). Last evaluated 2025-07-24.

Conditions:
DLG1-related disorder. Also called: DLG1-related condition.

Allele frequency attached by ClinVar (database versions not stated): gnomAD 0.00001; TOPMed 0.00001.
gnomAD v4.1: 20 of 1,609,070 alleles (0.0012%); highest among the groups gnomAD compares: African/African-American, 0.0054%; no homozygotes.

Submissions (2):

PreventionGenetics, part of Exact Sciences
Classification: Likely benign for DLG1-related condition. Last evaluated: 2025-07-24. Review status: criteria provided, single submitter. Criteria: ACMG Guidelines, 2015. Collection method: clinical testing. Allele origin: germline.
Comment: This variant is classified as likely benign based on ACMG/AMP sequence variant interpretation guidelines (Richards et al. 2015 PMID: 25741868, with internal and published modifications).

Labcorp Genetics (formerly Invitae), Labcorp
Classification: Likely benign. Last evaluated: 2018-04-13. Review status: criteria provided, single submitter. Criteria: Invitae Variant Classification Sherloc (09022015). Collection method: clinical testing. Allele origin: germline.